The following is an entry in ClinVar:

ClinVar aggregate classification (germline): Conflicting classifications of pathogenicity. Review status: criteria provided, conflicting classifications (1 of 4 stars). 2 submissions from 2 submitters: Uncertain significance (1); Likely benign (1). Last evaluated 2024-09-20.

Conditions:
Fibromatosis, gingival, 5. Also called: FIBROMATOSIS, GINGIVAL, HEREDITARY, 5. Identifiers: MedGen C4539942, MONDO:0033493, OMIM 617626.
Wilms tumor 6 (WT6). Also called: WILMS TUMOR 6, SUSCEPTIBILITY TO. Identifiers: Orphanet 654, MedGen C3891301, MONDO:0014779, OMIM 616806.
Autosomal dominant nonsyndromic hearing loss 27. Also called: Deafness, autosomal dominant 27. Identifiers: Orphanet 90635, MedGen C3887929, MONDO:0012902, OMIM 612431.

Submissions (2):

3billion
Classification: Likely benign for Wilms tumor 6; Autosomal dominant nonsyndromic hearing loss 27; Fibromatosis, gingival, 5. Last evaluated: 2024-09-20. Review status: criteria provided, single submitter. Criteria: ACMG Guidelines, 2015. Collection method: clinical testing. Allele origin: germline. Affected: no.
Comment: The variant was identified in at least one patient who was diagnosed with a different variant in another gene and showed no symptoms related to the gene containing the variant in question. Additionally, It was found as homozygous in at least one patient wth no related symptoms.

Labcorp Genetics (formerly Invitae), Labcorp
Classification: Uncertain significance. Last evaluated: 2019-08-15. Review status: criteria provided, single submitter. Criteria: Invitae Variant Classification Sherloc (09022015). Collection method: clinical testing. Allele origin: germline.
Comment: This sequence change replaces histidine with arginine at codon 1033 of the REST protein (p.His1033Arg). The histidine residue is moderately conserved and there is a small physicochemical difference between histidine and arginine. This variant is not present in population databases (ExAC no frequency). This variant has not been reported in the literature in individuals with REST-related conditions. Algorithms developed to predict the effect of missense changes on protein structure and function are either unavailable or do not agree on the potential impact of this missense change (SIFT: "Deleterious"; PolyPhen-2: "Benign"; Align-GVGD: "Class C0"). In summary, the available evidence is currently insufficient to determine the role of this variant in disease. Therefore, it has been classified as a Variant of Uncertain Significance.

NM_005612.5(REST):c.3098A>G (p.His1033Arg)

Gene: REST (RE1 silencing transcription factor; plus strand). Cytogenetic location: 4q12.
Variant type: single nucleotide variant.
Coding change: c.3098A>G on transcript NM_005612.5 (MANE Select); coding-DNA position 3098, A replaced by G.
Protein change: p.His1033Arg; replaces histidine 1033 with arginine.
Molecular consequence: missense variant.
Genome position (GRCh38, 1-based): chr4:56,931,956, A>G. VCF-style: chr4-56931956-A-G. GRCh37 (hg19) VCF-style: chr4-57798122-A-G.
Other names: c.3098A>G, p.His1033Arg (NM_001193508.2, NM_001363453.3); short protein forms H1033R.
Identifiers: ClinVar variation 944664 (VCV000944664.10), dbSNP rs572949989, ClinGen allele CA357010210.